The following is an entry in ClinVar:

ClinVar aggregate classification (germline): Uncertain significance (1 of 4 stars; one submission).

gnomAD v4.1: 2 of 1,614,062 alleles (0.00012%); highest among the groups gnomAD compares: South Asian, 0.0022%; no homozygotes.

Submission:

Ambry Genetics
Classification: Uncertain significance. Last evaluated: 2025-01-19. Review status: criteria provided, single submitter. Criteria: Ambry Variant Classification Scheme 2023. Collection method: clinical testing. Allele origin: germline.
Comment: The p.S334N variant (also known as c.1001G>A), located in coding exon 7 of the ATRIP gene, results from a G to A substitution at nucleotide position 1001. The serine at codon 334 is replaced by asparagine, an amino acid with highly similar properties. This amino acid position is conserved. In addition, this alteration is predicted to be tolerated by in silico analysis. Based on the available evidence, the clinical significance of this variant remains unclear.

NM_130384.3(ATRIP):c.1001G>A (p.Ser334Asn)

Genes: ATRIP (ATR interacting protein; plus strand), ATRIP-TREX1 (ATRIP-TREX1 readthrough; plus strand). Cytogenetic location: 3p21.31.
Variant type: single nucleotide variant.
Coding change: c.1001G>A on transcript NM_130384.3 (MANE Select); coding-DNA position 1001, G replaced by A.
Protein change: p.Ser334Asn; replaces serine 334 with asparagine.
Molecular consequence: missense variant. On other transcripts: non-coding transcript variant (1).
Genome position (GRCh38, 1-based): chr3:48,459,862, G>A. VCF-style: chr3-48459862-G-A. GRCh37 (hg19) VCF-style: chr3-48501261-G-A.
Other names: c.620G>A, p.Ser207Asn (NM_001271022.2); c.722G>A, p.Ser241Asn (NM_001271023.2); c.1001G>A, p.Ser334Asn (NM_032166.4); short protein forms S334N, S207N, S241N.
Identifiers: ClinVar variation 3810038 (VCV003810038.1).
Genomic context (GRCh38, chr3:48,459,862, plus strand): 5'-ACCTGCTCCTGAAGCAGCCTTTGATCCCAGGGTCATCCCTAAGCCTTTGCCACCTCCTGA[G>A]TAGTAGTTCTGAGTCTCCTGCTGGCACCCCCCTGCAGCCACCAGGGTTTGGCAGGTAAGC-3'
Protein context (NP_569055.1, residues 324-344): GSSLSLCHLL[Ser334Asn]SSSESPAGTP